The following is an entry in ClinVar:

NM_012096.3(APPL1):c.446G>A (p.Arg149His)

Gene: APPL1 (adaptor protein, phosphotyrosine interacting with PH domain and leucine zipper 1; plus strand). Cytogenetic location: 3p14.3.
Variant type: single nucleotide variant.
Coding change: c.446G>A on transcript NM_012096.3 (MANE Select); coding-DNA position 446, G replaced by A.
Protein change: p.Arg149His; replaces arginine 149 with histidine.
Molecular consequence: missense variant.
Genome position (GRCh38, 1-based): chr3:57,242,886, G>A. VCF-style: chr3-57242886-G-A. GRCh37 (hg19) VCF-style: chr3-57276914-G-A.
Other names: short protein forms R149H.
Identifiers: ClinVar variation 1449769 (VCV001449769.8), dbSNP rs146571495, ClinGen allele CA2463541.

ClinVar aggregate classification (germline): Uncertain significance (1 of 4 stars; one submission).

Allele frequency attached by ClinVar (database versions not stated): gnomAD exomes 0.00006 and 0.00017; ExAC 0.00007; gnomAD 0.00008 and 0.00009; TOPMed 0.00011; ESP Exome Variant Server 0.00023.

Submission:

Labcorp Genetics (formerly Invitae), Labcorp
Classification: Uncertain significance. Last evaluated: 2025-01-03. Review status: criteria provided, single submitter. Criteria: Invitae Variant Classification Sherloc (09022015). Collection method: clinical testing. Allele origin: germline.
Comment: This sequence change replaces arginine, which is basic and polar, with histidine, which is basic and polar, at codon 149 of the APPL1 protein (p.Arg149His). This variant is present in population databases (rs146571495, gnomAD 0.01%). This variant has not been reported in the literature in individuals affected with APPL1-related conditions. ClinVar contains an entry for this variant (Variation ID: 1449769). Invitae Evidence Modeling of protein sequence and biophysical properties (such as structural, functional, and spatial information, amino acid conservation, physicochemical variation, residue mobility, and thermodynamic stability) indicates that this missense variant is not expected to disrupt APPL1 protein function with a negative predictive value of 80%. In summary, the available evidence is currently insufficient to determine the role of this variant in disease. Therefore, it has been classified as a Variant of Uncertain Significance.